The following is an entry in ClinVar:

NM_001330311.2(DVL1):c.855G>A (p.Lys285=)

Gene: DVL1 (dishevelled segment polarity protein 1; minus strand). Cytogenetic location: 1p36.33.
Variant type: single nucleotide variant.
Coding change: c.855G>A on transcript NM_001330311.2 (MANE Select); coding-DNA position 855, G replaced by A.
Protein change: p.Lys285=; no amino-acid change (lysine 285 retained).
Molecular consequence: synonymous variant.
Genome position (GRCh38, 1-based): chr1:1,340,092, C>T on the plus strand (G>A on the coding strand, the complement: DVL1 is on the minus strand). VCF-style: chr1-1340092-C-T. GRCh37 (hg19) VCF-style: chr1-1275472-C-T.
Other names: c.855G>A, p.Lys285= (NM_004421.3).
Identifiers: ClinVar variation 3029693 (VCV003029693.2), dbSNP rs755185744, ClinGen allele CA520385.

ClinVar aggregate classification (germline): Likely benign (0 of 4 stars; one submission).

Conditions:
DVL1-related disorder. Also called: DVL1-related condition.

gnomAD v4.1: 17 of 1,613,358 alleles (0.0011%); highest among the groups gnomAD compares: East Asian, 0.02%; no homozygotes.

Submission:

PreventionGenetics, part of Exact Sciences
Classification: Likely benign for DVL1-related condition. Last evaluated: 2024-01-13. Review status: no assertion criteria provided. Collection method: clinical testing. Allele origin: germline.
Comment: This variant is classified as likely benign based on ACMG/AMP sequence variant interpretation guidelines (Richards et al. 2015 PMID: 25741868, with internal and published modifications).